The following is an entry in ClinVar:

ClinVar aggregate classification (germline): Uncertain significance. Review status: criteria provided, multiple submitters, no conflicts (2 of 4 stars). 3 submissions from 3 submitters: Uncertain significance (3). Last evaluated 2025-03-18.

Conditions:
Chédiak-Higashi syndrome (CHS). Also called: Chediak-Higashi Syndrome. Identifiers: Orphanet 167, MedGen C0007965, MONDO:0008963, OMIM 214500.
Inborn genetic diseases. Identifiers: MedGen C0950123, MeSH D030342.

gnomAD v4.1: 18 of 1,587,454 alleles (0.0011%); highest among the groups gnomAD compares: Non-Finnish European, 0.0016%; no homozygotes.

Submissions (3):

Ambry Genetics
Classification: Uncertain significance for Inborn genetic diseases. Last evaluated: 2025-03-18. Review status: criteria provided, single submitter. Criteria: Ambry Variant Classification Scheme 2023. Collection method: clinical testing. Allele origin: germline.

Labcorp Genetics (formerly Invitae), Labcorp
Classification: Uncertain significance for Chédiak-Higashi syndrome. Last evaluated: 2022-03-15. Review status: criteria provided, single submitter. Criteria: Invitae Variant Classification Sherloc (09022015). Collection method: clinical testing. Allele origin: germline.
Comment: This sequence change replaces aspartic acid, which is acidic and polar, with glycine, which is neutral and non-polar, at codon 1330 of the LYST protein (p.Asp1330Gly). This variant is present in population databases (rs74641549, gnomAD 0.002%). This variant has not been reported in the literature in individuals affected with LYST-related conditions. Algorithms developed to predict the effect of missense changes on protein structure and function (SIFT, PolyPhen-2, Align-GVGD) all suggest that this variant is likely to be tolerated. In summary, the available evidence is currently insufficient to determine the role of this variant in disease. Therefore, it has been classified as a Variant of Uncertain Significance.

Revvity Omics, Revvity
Classification: Uncertain significance for Chédiak-Higashi syndrome. Last evaluated: 2019-02-11. Review status: criteria provided, single submitter. Criteria: ACMG Guidelines, 2015. Collection method: clinical testing. Allele origin: germline.

NM_000081.4(LYST):c.3989A>G (p.Asp1330Gly)

Gene: LYST (lysosomal trafficking regulator; minus strand). Cytogenetic location: 1q42.3.
Variant type: single nucleotide variant.
Coding change: c.3989A>G on transcript NM_000081.4 (MANE Select); coding-DNA position 3989, A replaced by G.
Protein change: p.Asp1330Gly; replaces aspartic acid 1330 with glycine.
Molecular consequence: missense variant.
Genome position (GRCh38, 1-based): chr1:235,800,337, T>C on the plus strand (A>G on the coding strand, the complement: LYST is on the minus strand). VCF-style: chr1-235800337-T-C. GRCh37 (hg19) VCF-style: chr1-235963637-T-C.
Other names: c.3989A>G (NM_000081.2); c.3989A>G, p.Asp1330Gly (NM_001301365.1); short protein forms D1330G.
Identifiers: ClinVar variation 2169015 (VCV002169015.5), dbSNP rs74641549, ClinGen allele CA1466952.